The following is an entry in ClinVar:

NM_170606.3(KMT2C):c.4550G>A (p.Gly1517Glu)

Gene: KMT2C (lysine methyltransferase 2C; minus strand). Cytogenetic location: 7q36.1.
Variant type: single nucleotide variant.
Coding change: c.4550G>A on transcript NM_170606.3 (MANE Select); coding-DNA position 4550, G replaced by A.
Protein change: p.Gly1517Glu; replaces glycine 1517 with glutamic acid.
Molecular consequence: missense variant.
Genome position (GRCh38, 1-based): chr7:152,194,119, C>T on the plus strand (G>A on the coding strand, the complement: KMT2C is on the minus strand). VCF-style: chr7-152194119-C-T. GRCh37 (hg19) VCF-style: chr7-151891204-C-T.
Other names: short protein forms G1517E.
Identifiers: ClinVar variation 4755669 (VCV004755669.1).

ClinVar aggregate classification (germline): Uncertain significance (1 of 4 stars; one submission).

gnomAD v4.1: 1 of 1,575,070 alleles (0.000063%); highest among the groups gnomAD compares: Admixed American, 0.002%; no homozygotes.

Submission:

GeneDx
Classification: Uncertain significance. Last evaluated: 2025-08-08. Review status: criteria provided, single submitter. Criteria: GeneDx Variant Classification Process June 2021. Collection method: clinical testing. Allele origin: germline. Affected: yes.
Comment: Not observed at significant frequency in large population cohorts (gnomAD); In silico analysis supports that this missense variant has a deleterious effect on protein structure/function; Has not been previously published as pathogenic or benign to our knowledge